The following is an entry in ClinVar:

NM_024747.6(HPS6):c.119G>C (p.Gly40Ala)

Genes: HPS6 (HPS6 biogenesis of lysosomal organelles complex 2 subunit 3; plus strand), LOC130004578 (ATAC-STARR-seq lymphoblastoid silent region 2738; plus strand). Cytogenetic location: 10q24.32.
Variant type: single nucleotide variant.
Coding change: c.119G>C on transcript NM_024747.6 (MANE Select); coding-DNA position 119, G replaced by C.
Protein change: p.Gly40Ala; replaces glycine 40 with alanine.
Molecular consequence: missense variant.
Genome position (GRCh38, 1-based): chr10:102,065,593, G>C. VCF-style: chr10-102065593-G-C. GRCh37 (hg19) VCF-style: chr10-103825350-G-C.
Other names: short protein forms G40A.
Identifiers: ClinVar variation 1433971 (VCV001433971.5), dbSNP rs1227939763, ClinGen allele CA377854583.
Genomic context (GRCh38, chr10:102,065,593, plus strand): 5'-CGCGGCTCCGGGAGCTGGTGGCCGGGGACTCAGCGGTCCGAGTCCGTGGCAGTCCGGACG[G>C]CCGCCACTTGCTGCTCCTGCGACCCCCTGGGGCGGTAGCCCCACAGCTGCTAGTCGCGTC-3'
Protein context (NP_079023.2, residues 30-50): SAVRVRGSPD[Gly40Ala]RHLLLLRPPG

ClinVar aggregate classification (germline): Uncertain significance (1 of 4 stars; one submission).

Allele frequency attached by ClinVar (database versions not stated): gnomAD exomes below 0.00001 and 0.00001; TOPMed 0.00001.
gnomAD v4.1: 2 of 1,543,034 alleles (0.00013%); highest among the groups gnomAD compares: East Asian, 0.0025%; no homozygotes.

Submission:

Labcorp Genetics (formerly Invitae), Labcorp
Classification: Uncertain significance. Last evaluated: 2021-08-27. Review status: criteria provided, single submitter. Criteria: Invitae Variant Classification Sherloc (09022015). Collection method: clinical testing. Allele origin: germline.
Comment: This sequence change replaces glycine with alanine at codon 40 of the HPS6 protein (p.Gly40Ala). The glycine residue is highly conserved and there is a small physicochemical difference between glycine and alanine. The frequency data for this variant in the population databases is considered unreliable, as metrics indicate insufficient coverage at this position in the ExAC database. This variant has not been reported in the literature in individuals affected with HPS6-related conditions. Algorithms developed to predict the effect of missense changes on protein structure and function are either unavailable or do not agree on the potential impact of this missense change (SIFT: "Deleterious"; PolyPhen-2: "Probably Damaging"; Align-GVGD: "Class C0"). In summary, the available evidence is currently insufficient to determine the role of this variant in disease. Therefore, it has been classified as a Variant of Uncertain Significance.